The following is an entry in ClinVar:

ClinVar aggregate classification (germline): Uncertain significance. Review status: criteria provided, multiple submitters, no conflicts (2 of 4 stars). 2 submissions from 2 submitters: Uncertain significance (2). Last evaluated 2025-11-21.

Conditions:
Gastrointestinal stromal tumor. Also called: Gastrointestinal stromal tumor, somatic; Gastrointestinal stroma tumor. Identifiers: Orphanet 44890, MedGen C0238198, MeSH D046152, MONDO:0011719, OMIM 606764, HP:0100723.
Hereditary cancer-predisposing syndrome. Also called: Neoplastic Syndromes, Hereditary; Hereditary Cancer Syndrome; Hereditary neoplastic syndrome; Tumor predisposition. Identifiers: Orphanet 140162, MedGen C0027672, MeSH D009386, MONDO:0015356.

Allele frequency attached by ClinVar (database versions not stated): TOPMed below 0.00001.

Submissions (2):

Labcorp Genetics (formerly Invitae), Labcorp
Classification: Uncertain significance for Gastrointestinal stromal tumor. Last evaluated: 2025-11-21. Review status: criteria provided, single submitter. Criteria: Invitae Variant Classification Sherloc (09022015). Collection method: clinical testing. Allele origin: germline.
Comment: This sequence change replaces serine, which is neutral and polar, with threonine, which is neutral and polar, at codon 935 of the PDGFRA protein (p.Ser935Thr). This variant is not present in population databases (gnomAD no frequency). This variant has not been reported in the literature in individuals affected with PDGFRA-related conditions. ClinVar contains an entry for this variant (Variation ID: 999835). Invitae Evidence Modeling of protein sequence and biophysical properties (such as structural, functional, and spatial information, amino acid conservation, physicochemical variation, residue mobility, and thermodynamic stability) indicates that this missense variant is not expected to disrupt PDGFRA protein function with a negative predictive value of 80%. In summary, the available evidence is currently insufficient to determine the role of this variant in disease. Therefore, it has been classified as a Variant of Uncertain Significance.

Ambry Genetics
Classification: Uncertain significance for Hereditary cancer-predisposing syndrome. Last evaluated: 2025-09-28. Review status: criteria provided, single submitter. Criteria: Ambry Variant Classification Scheme 2023. Collection method: clinical testing. Allele origin: germline.
Comment: The p.S935T variant (also known as c.2804G>C), located in coding exon 20 of the PDGFRA gene, results from a G to C substitution at nucleotide position 2804. The serine at codon 935 is replaced by threonine, an amino acid with similar properties. This amino acid position is well conserved in available vertebrate species. In addition, the in silico prediction for this alteration is inconclusive. Since supporting evidence is limited at this time, the clinical significance of this alteration remains unclear.

NM_006206.6(PDGFRA):c.2804G>C (p.Ser935Thr)

Gene: PDGFRA (platelet derived growth factor receptor alpha; plus strand). Cytogenetic location: 4q12.
Variant type: single nucleotide variant.
Coding change: c.2804G>C on transcript NM_006206.6 (MANE Select); coding-DNA position 2804, G replaced by C.
Protein change: p.Ser935Thr; replaces serine 935 with threonine.
Molecular consequence: missense variant.
Genome position (GRCh38, 1-based): chr4:54,289,038, G>C. VCF-style: chr4-54289038-G-C. GRCh37 (hg19) VCF-style: chr4-55155205-G-C.
Other names: c.2879G>C, p.Ser960Thr (NM_001347828.2); c.2804G>C, p.Ser935Thr (NM_001347829.2); c.2843G>C, p.Ser948Thr (NM_001347830.2); short protein forms S935T, S948T, S960T.
Identifiers: ClinVar variation 999835 (VCV000999835.10), dbSNP rs1724500193, ClinGen allele CA356895713.
Genomic context (GRCh38, chr4:54,289,038, plus strand): 5'-CTGTGCCCACTCTTGAGTTCTGTCCCCACAGCTACGAGATCATGGTGAAATGCTGGAACA[G>C]TGAGCCGGAGAAGAGACCCTCCTTTTACCACCTGAGTGAGATTGTGGAGAATCTGCTGCC-3'
Protein context (NP_006197.1, residues 925-945): VYEIMVKCWN[Ser935Thr]EPEKRPSFYH